The following is an entry in ClinVar:

ClinVar aggregate classification (germline): Uncertain significance (1 of 4 stars; one submission).

Conditions:
Cardiomyopathy (CMYO). Also called: Cardiomyopathies. Identifiers: Orphanet 167848, MedGen C0878544, MONDO:0004994, HP:0001638. Inheritance: Various modes of inheritance.

Submission:

Color Diagnostics, LLC DBA Color Health
Classification: Uncertain significance for Cardiomyopathy. Last evaluated: 2025-06-11. Review status: criteria provided, single submitter. Criteria: ACMG Guidelines, 2015. Collection method: clinical testing. Allele origin: germline.
Comment: This missense variant replaces aspartic acid with valine at codon 761 of the DSP protein. Computational prediction suggests that this variant may not impact protein structure and function. To our knowledge, functional studies have not been reported for this variant. This variant has not been reported in individuals affected with DSP-related disorders in the literature. This variant has not been identified in the general population by the Genome Aggregation Database (gnomAD). The available evidence is insufficient to determine the role of this variant in disease conclusively. Therefore, this variant is classified as a Variant of Uncertain Significance.

NM_004415.4(DSP):c.2282A>T (p.Asp761Val)

Gene: DSP (desmoplakin; plus strand). Cytogenetic location: 6p24.3.
Variant type: single nucleotide variant.
Coding change: c.2282A>T on transcript NM_004415.4 (MANE Select); coding-DNA position 2282, A replaced by T.
Protein change: p.Asp761Val; replaces aspartic acid 761 with valine.
Molecular consequence: missense variant.
Genome position (GRCh38, 1-based): chr6:7,574,237, A>T. VCF-style: chr6-7574237-A-T. GRCh37 (hg19) VCF-style: chr6-7574470-A-T.
Other names: c.2282A>T, p.Asp761Val (NM_001008844.3, NM_001319034.2); short protein forms D761V.
Identifiers: ClinVar variation 4758385 (VCV004758385.1).